The following is an entry in ClinVar:

ClinVar aggregate classification (germline): Uncertain significance (1 of 4 stars; one submission).

Conditions:
Aicardi-Goutieres syndrome 7 (AGS7). Identifiers: Orphanet 51, MedGen C3888244, MONDO:0014367, OMIM 615846.
Singleton-Merten syndrome 1 (SGMRT1). Also called: Widened medullary cavities of bone, aortic calcification, abnormal dentition, and muscular weakness; Syndrome of widened medullary cavities of the metacarpals and phalanges, aortic calcification and abnormal dentition. Identifiers: Orphanet 85191, MedGen C4225427, MONDO:0024535, OMIM 182250.

gnomAD v4.1: 5 of 1,607,608 alleles (0.00031%); highest among the groups gnomAD compares: Non-Finnish European, 0.00043%; no homozygotes.

Submission:

Labcorp Genetics (formerly Invitae), Labcorp
Classification: Uncertain significance for Aicardi-Goutieres syndrome 7; Singleton-Merten syndrome 1. Last evaluated: 2025-10-23. Review status: criteria provided, single submitter. Criteria: Invitae Variant Classification Sherloc (09022015). Collection method: clinical testing. Allele origin: germline.
Comment: This sequence change replaces valine, which is neutral and non-polar, with glycine, which is neutral and non-polar, at codon 432 of the IFIH1 protein (p.Val432Gly). This variant is present in population databases (no rsID available, gnomAD 0.0009%). This variant has not been reported in the literature in individuals affected with IFIH1-related conditions. Invitae Evidence Modeling of protein sequence and biophysical properties (such as structural, functional, and spatial information, amino acid conservation, physicochemical variation, residue mobility, and thermodynamic stability) has been performed for this missense variant. However, the output from this modeling did not meet the statistical confidence thresholds required to predict the impact of this variant on IFIH1 protein function. In summary, the available evidence is currently insufficient to determine the role of this variant in disease. Therefore, it has been classified as a Variant of Uncertain Significance.

NM_022168.4(IFIH1):c.1295T>G (p.Val432Gly)

Gene: IFIH1 (interferon induced with helicase C domain 1; minus strand). Cytogenetic location: 2q24.2.
Variant type: single nucleotide variant.
Coding change: c.1295T>G on transcript NM_022168.4 (MANE Select); coding-DNA position 1295, T replaced by G.
Protein change: p.Val432Gly; replaces valine 432 with glycine.
Molecular consequence: missense variant.
Genome position (GRCh38, 1-based): chr2:162,282,377, A>C on the plus strand (T>G on the coding strand, the complement: IFIH1 is on the minus strand). VCF-style: chr2-162282377-A-C. GRCh37 (hg19) VCF-style: chr2-163138887-A-C.
Other names: short protein forms V432G.
Identifiers: ClinVar variation 4792027 (VCV004792027.1).